The following is an entry in ClinVar:

ClinVar aggregate classification (germline): Pathogenic (1 of 4 stars; one submission).

Conditions:
Autosomal recessive polycystic kidney disease (ARPKD). Also called: AR polycystic kidney disease. Identifiers: Orphanet 731, Orphanet 8378, MedGen C0085548, MeSH D017044, MONDO:0009889.

Submission:

Labcorp Genetics (formerly Invitae), Labcorp
Classification: Pathogenic for Autosomal recessive polycystic kidney disease. Last evaluated: 2020-01-30. Review status: criteria provided, single submitter. Criteria: Invitae Variant Classification Sherloc (09022015). Collection method: clinical testing. Allele origin: germline.
Comment: For these reasons, this variant has been classified as Pathogenic. Loss-of-function variants in PKHD1 are known to be pathogenic (PMID: 19940839). This variant has not been reported in the literature in individuals with PKHD1-related conditions. This variant is not present in population databases (ExAC no frequency). This sequence change creates a premature translational stop signal (p.Lys2003Serfs*30) in the PKHD1 gene. It is expected to result in an absent or disrupted protein product.

Literature cited by the submitters: PubMed 19940839.

NM_138694.4(PKHD1):c.6008del (p.Lys2003fs)

Gene: PKHD1 (PKHD1 ciliary IPT domain containing fibrocystin/polyductin; minus strand). Cytogenetic location: 6p12.2.
Variant type: Deletion.
Coding change: c.6008del on transcript NM_138694.4 (MANE Select); coding-DNA position 6008, one base deleted (A; older notation c.6008delA).
Protein change: p.Lys2003fs; shifts the reading frame from lysine 2003.
Molecular consequence: frameshift variant.
Genome position (GRCh38, 1-based): chr6:51,934,223, T deleted on the plus strand (A on the coding strand, the reverse complement: PKHD1 is on the minus strand); the first of 2 consecutive T bases (chr6:51,934,223-51,934,224); deleting either gives the same sequence. VCF-style (leftmost placement, unchanged base first): chr6-51934222-CT-C. GRCh37 (hg19) VCF-style: chr6-51799020-CT-C.
Other names: c.6008del, p.Lys2003fs (NM_170724.3); short protein forms K2003fs.
Identifiers: ClinVar variation 1069080 (VCV001069080.8), dbSNP rs2127768716, ClinGen allele CA2499218360.
Genomic context (GRCh38, chr6:51,934,222, plus strand): 5'-AAAGAAGGGAGTTGAGTAGGAACTCCCGTAGAGTGTGATCTGAGCTCTGCCTTGGAAGGG[CT>C]TGTCTTCGGATCCAATCCGGAGCTCTCCACCATCAGAAACAAGGATGGCGTGTGCCCTGA-3'